The following is an entry in ClinVar:

ClinVar aggregate classification (germline): Uncertain significance (1 of 4 stars; one submission).

gnomAD v4.1: 2 of 1,565,442 alleles (0.00013%); highest among the groups gnomAD compares: East Asian, 0.0023%; no homozygotes.

Submission:

Labcorp Genetics (formerly Invitae), Labcorp
Classification: Uncertain significance. Last evaluated: 2022-07-30. Review status: criteria provided, single submitter. Criteria: Invitae Variant Classification Sherloc (09022015). Collection method: clinical testing. Allele origin: germline.
Comment: In summary, the available evidence is currently insufficient to determine the role of this variant in disease. Therefore, it has been classified as a Variant of Uncertain Significance. Variants that disrupt the consensus splice site are a relatively common cause of aberrant splicing (PMID: 17576681, 9536098). Algorithms developed to predict the effect of sequence changes on RNA splicing suggest that this variant is not likely to affect RNA splicing. This variant has not been reported in the literature in individuals affected with TCF3-related conditions. This variant is not present in population databases (gnomAD no frequency). This sequence change falls in intron 2 of the TCF3 gene. It does not directly change the encoded amino acid sequence of the TCF3 protein. It affects a nucleotide within the consensus splice site.

Literature cited by the submitters: PubMed 17576681; PubMed 9536098.

NM_003200.5(TCF3):c.72+6C>A

Gene: TCF3 (transcription factor 3; minus strand). Cytogenetic location: 19p13.3.
Variant type: single nucleotide variant.
Coding change: c.72+6C>A on transcript NM_003200.5 (MANE Select); 6 bases into the intron after coding-DNA position 72, C replaced by A.
Molecular consequence: intron variant.
Genome position (GRCh38, 1-based): chr19:1,650,171, G>T on the plus strand (C>A on the coding strand, the complement: TCF3 is on the minus strand). VCF-style: chr19-1650171-G-T. GRCh37 (hg19) VCF-style: chr19-1650170-G-T.
Other names: c.72+6C>A (NM_001351778.2, NM_001136139.4, NM_001351779.2).
Identifiers: ClinVar variation 2020631 (VCV002020631.4), dbSNP rs2512341153, ClinGen allele CA2580096071.
Genomic context (GRCh38, chr19:1,650,171, plus strand): 5'-TGAAAACCTTCCCGTGAACTGTGGAGGCAAAGGGGTGTCGGGGGCTGGGCGGGGGTCCTG[G>T]CTCACCATGCTGAAGTCCAGGAGGTCACTGAGCTCCTTGTCTGTGCCCACAGGCGCCATC-3'